The following is an entry in ClinVar:

ClinVar aggregate classification (germline): Uncertain significance. Review status: criteria provided, multiple submitters, no conflicts (2 of 4 stars). 2 submissions from 2 submitters: Uncertain significance (2). Last evaluated 2025-01-27.

Allele frequency attached by ClinVar (database versions not stated): TOPMed below 0.00001; ExAC 0.00002.

Submissions (2):

Labcorp Genetics (formerly Invitae), Labcorp
Classification: Uncertain significance. Last evaluated: 2025-01-27. Review status: criteria provided, single submitter. Criteria: Invitae Variant Classification Sherloc (09022015). Collection method: clinical testing. Allele origin: germline.
Comment: This sequence change replaces arginine, which is basic and polar, with tryptophan, which is neutral and slightly polar, at codon 151 of the GINS1 protein (p.Arg151Trp). The frequency data for this variant in the population databases is considered unreliable, as metrics indicate poor data quality at this position in the gnomAD database. This variant has not been reported in the literature in individuals affected with GINS1-related conditions. ClinVar contains an entry for this variant (Variation ID: 2622916). An algorithm developed to predict the effect of missense changes on protein structure and function (PolyPhen-2) suggests that this variant is likely to be disruptive. In summary, the available evidence is currently insufficient to determine the role of this variant in disease. Therefore, it has been classified as a Variant of Uncertain Significance.

Ambry Genetics
Classification: Uncertain significance. Last evaluated: 2023-09-12. Review status: criteria provided, single submitter. Criteria: Ambry Variant Classification Scheme 2023. Collection method: clinical testing. Allele origin: germline.

NM_021067.5(GINS1):c.451C>T (p.Arg151Trp)

Gene: GINS1 (GINS complex subunit 1; plus strand). Cytogenetic location: 20p11.21.
Variant type: single nucleotide variant.
Coding change: c.451C>T on transcript NM_021067.5 (MANE Select); coding-DNA position 451, C replaced by T.
Protein change: p.Arg151Trp; replaces arginine 151 with tryptophan.
Molecular consequence: missense variant. On other transcripts: non-coding transcript variant (1).
Genome position (GRCh38, 1-based): chr20:25,441,705, C>T. VCF-style: chr20-25441705-C-T. GRCh37 (hg19) VCF-style: chr20-25422341-C-T.
Other names: c.196C>T, p.Arg66Trp (NM_001410831.1); c.334C>T, p.Arg112Trp (NM_001410830.1); short protein forms R112W, R66W, R151W.
Identifiers: ClinVar variation 2622916 (VCV002622916.5), dbSNP rs762561743, ClinGen allele CA9796561.